The following is an entry in ClinVar:

ClinVar aggregate classification (germline): Likely benign. Review status: criteria provided, single submitter (1 of 4 stars). 2 submissions from 2 submitters: Likely benign (1). 1 of the submissions does not count toward it. Last evaluated 2025-09-18.

Conditions:
LBR-related disorder. Also called: LBR-related condition; LBR-related disorders.

Submissions (2):

Labcorp Genetics (formerly Invitae), Labcorp
Classification: Likely benign. Last evaluated: 2025-09-18. Review status: criteria provided, single submitter. Criteria: Invitae Variant Classification Sherloc (09022015). Collection method: clinical testing. Allele origin: germline.

PreventionGenetics, part of Exact Sciences
Classification: Likely benign for LBR-related condition. Last evaluated: 2024-04-02. Review status: no assertion criteria provided. Collection method: clinical testing. Allele origin: germline. Not counted in ClinVar's aggregate classification.
Comment: This variant is classified as likely benign based on ACMG/AMP sequence variant interpretation guidelines (Richards et al. 2015 PMID: 25741868, with internal and published modifications).

NM_002296.4(LBR):c.1218T>G (p.Ala406=)

Gene: LBR (lamin B receptor; minus strand). Cytogenetic location: 1q42.12.
Variant type: single nucleotide variant.
Coding change: c.1218T>G on transcript NM_002296.4 (MANE Select); coding-DNA position 1218, T replaced by G.
Protein change: p.Ala406=; no amino-acid change (alanine 406 retained).
Molecular consequence: synonymous variant.
Genome position (GRCh38, 1-based): chr1:225,410,387, A>C on the plus strand (T>G on the coding strand, the complement: LBR is on the minus strand). VCF-style: chr1-225410387-A-C. GRCh37 (hg19) VCF-style: chr1-225598089-A-C.
Other names: c.1218T>G, p.Ala406= (NM_194442.3).
Identifiers: ClinVar variation 3348665 (VCV003348665.2).